The following is an entry in ClinVar:

NM_004937.3(CTNS):c.40del (p.Pro13_Leu14insTer)

Gene: CTNS (cystinosin, lysosomal cystine transporter; plus strand). Cytogenetic location: 17p13.2.
Variant type: Deletion.
Coding change: c.40del on transcript NM_004937.3 (MANE Select); coding-DNA position 40, one base deleted (C; older notation c.40delC).
Protein change: p.Pro13_Leu14insTer.
Molecular consequence: nonsense. On other transcripts: 5 prime UTR variant (2), intron variant (2).
Genome position (GRCh38, 1-based): chr17:3,640,246, C deleted; the last of 4 consecutive C bases (chr17:3,640,243-3,640,246); deleting any one gives the same sequence. VCF-style (leftmost placement, unchanged base first): chr17-3640242-TC-T. GRCh37 (hg19) VCF-style: chr17-3543536-TC-T.
Other names: c.40del, p.Pro13_Leu14insTer (NM_001031681.3, NM_001374492.1); c.-317del (NM_001374493.1); c.-238del (NM_001374495.1); c.-381+2930del (NM_001374494.1); c.-296+2930del (NM_001374496.1).
Identifiers: ClinVar variation 556926 (VCV000556926.12), dbSNP rs1555558099, ClinGen allele CA658824068.

ClinVar aggregate classification (germline): Pathogenic. Review status: criteria provided, multiple submitters, no conflicts (2 of 4 stars). 3 submissions from 3 submitters: Pathogenic (2). 1 of the submissions does not count toward it. Last evaluated 2024-01-11.

Conditions:
Juvenile nephropathic cystinosis. Also called: Intermediate Cystinosis; Later-Onset (Juvenile) Cystinosis; CYSTINOSIS, LATE-ONSET JUVENILE OR ADOLESCENT NEPHROPATHIC TYPE. Identifiers: Orphanet 213, Orphanet 411634, MedGen C0268626, MONDO:0009066, OMIM 219900.
Inborn genetic diseases. Identifiers: MedGen C0950123, MeSH D030342.
Ocular cystinosis. Also called: Non-Nephropathic Cystinosis; Non-Nephropathic (Ocular) Cystinosis. Identifiers: Orphanet 213, Orphanet 411641, MedGen C2931013, MONDO:0009064, OMIM 219750.
Nephropathic cystinosis (CTNS). Also called: CYSTINOSIN, DEFECT OF; LYSOSOMAL CYSTINE TRANSPORT PROTEIN, DEFECT OF; Abderhalden Lignac Kaufmann disease; Abderhalden-Kaufmann-Lignac syndrome. Identifiers: Orphanet 213, Orphanet 411629, MedGen C2931187, MONDO:0100151, OMIM 219800.

Submissions (3):

Baylor Genetics
Classification: Pathogenic for Nephropathic cystinosis. Last evaluated: 2024-01-11. Review status: criteria provided, single submitter. Criteria: ACMG Guidelines, 2015. Collection method: clinical testing. Allele origin: unknown.

Labcorp Genetics (formerly Invitae), Labcorp
Classification: Pathogenic for Inborn genetic diseases; Ocular cystinosis; Juvenile nephropathic cystinosis. Last evaluated: 2023-05-21. Review status: criteria provided, single submitter. Criteria: Invitae Variant Classification Sherloc (09022015). Collection method: clinical testing. Allele origin: germline.
Comment: ClinVar contains an entry for this variant (Variation ID: 556926). This sequence change creates a premature translational stop signal (p.Leu14*) in the CTNS gene. It is expected to result in an absent or disrupted protein product. Loss-of-function variants in CTNS are known to be pathogenic (PMID: 9537412, 27102039). This variant is not present in population databases (gnomAD no frequency). This premature translational stop signal has been observed in individual(s) with cystinosis (PMID: 18752449). This variant is also known as c.379delC. For these reasons, this variant has been classified as Pathogenic.

Counsyl
Classification: Likely pathogenic for Nephropathic cystinosis. Last evaluated: 2018-02-27. Review status: no assertion criteria provided. Collection method: clinical testing. Allele origin: unknown. Not counted in ClinVar's aggregate classification.

Literature cited by the submitters: PubMed 9537412 (cited by Labcorp Genetics (formerly Invitae), Labcorp); PubMed 27102039 (cited by Labcorp Genetics (formerly Invitae), Labcorp); PubMed 18752449 (cited by Labcorp Genetics (formerly Invitae), Labcorp and Counsyl).